The following is an entry in ClinVar:

ClinVar aggregate classification (germline): Uncertain significance (1 of 4 stars; one submission).

Conditions:
Muscular dystrophy-dystroglycanopathy (congenital with brain and eye anomalies), type a, 10 (MDDGA10). Also called: WALKER-WARBURG SYNDROME OR MUSCLE-EYE-BRAIN DISEASE, TMEM5-RELATED. Identifiers: Orphanet 899, MedGen C3554381, MONDO:0014022, OMIM 615041.

Submission:

Baylor Genetics
Classification: Uncertain significance for Muscular dystrophy-dystroglycanopathy (congenital with brain and eye anomalies), type a, 10. Last evaluated: 2018-10-28. Review status: criteria provided, single submitter. Criteria: ACMG Guidelines, 2015. Collection method: clinical testing. Allele origin: paternal. Affected: yes.
Comment: This variant was determined to be of uncertain significance according to ACMG Guidelines, 2015 [PMID:25741868].

NM_014254.3(RXYLT1):c.92G>T (p.Arg31Leu)

Gene: RXYLT1 (ribitol xylosyltransferase 1; plus strand). Cytogenetic location: 12q14.2.
Variant type: single nucleotide variant.
Coding change: c.92G>T on transcript NM_014254.3 (MANE Select); coding-DNA position 92, G replaced by T.
Protein change: p.Arg31Leu; replaces arginine 31 with leucine.
Molecular consequence: missense variant. On other transcripts: 5 prime UTR variant (1).
Genome position (GRCh38, 1-based): chr12:63,780,052, G>T. VCF-style: chr12-63780052-G-T. GRCh37 (hg19) VCF-style: chr12-64173832-G-T.
Other names: c.-1022G>T (NM_001278237.2); short protein forms R31L.
Identifiers: ClinVar variation 1032614 (VCV001032614.1), dbSNP rs1897636551, ClinGen allele CA385583913.